The following is an entry in ClinVar:

ClinVar aggregate classification (germline): Uncertain significance (1 of 4 stars; one submission).

Conditions:
Focal segmental glomerulosclerosis 7 (FSGS7). Identifiers: Orphanet 656, MedGen C4014925, MONDO:0014451, OMIM 616002.
Renal coloboma syndrome (PAPRS). Also called: COLOBOMA OF OPTIC NERVE WITH RENAL DISEASE; OPTIC COLOBOMA, VESICOURETERAL REFLUX, AND RENAL ANOMALIES; OPTIC NERVE COLOBOMA WITH RENAL DISEASE; RENAL-COLOBOMA SYNDROME WITH MACULAR ABNORMALITIES; CONGENITAL ANOMALIES OF THE KIDNEY AND URINARY TRACT WITH OR WITHOUT OCULAR ABNORMALITIES; CAKUT WITH OR WITHOUT OCULAR ABNORMALITIES. Identifiers: Orphanet 1475, MedGen C1852759, MONDO:0007352, OMIM 120330.

Submission:

Labcorp Genetics (formerly Invitae), Labcorp
Classification: Uncertain significance for Renal coloboma syndrome; Focal segmental glomerulosclerosis 7. Last evaluated: 2021-05-31. Review status: criteria provided, single submitter. Criteria: Invitae Variant Classification Sherloc (09022015). Collection method: clinical testing. Allele origin: germline.
Comment: This sequence change replaces leucine with proline at codon 119 of the PAX2 protein (p.Leu119Pro). The leucine residue is highly conserved and there is a moderate physicochemical difference between leucine and proline. This variant is not present in population databases (ExAC no frequency). This variant has not been reported in the literature in individuals with PAX2-related conditions. Experimental studies and prediction algorithms are not available or were not evaluated, and the functional significance of this variant is currently unknown. In summary, the available evidence is currently insufficient to determine the role of this variant in disease. Therefore, it has been classified as a Variant of Uncertain Significance.

NM_000278.5(PAX2):c.356T>C (p.Leu119Pro)

Gene: PAX2 (paired box 2; plus strand). Cytogenetic location: 10q24.31.
Variant type: single nucleotide variant.
Coding change: c.356T>C on transcript NM_000278.5 (MANE Select); coding-DNA position 356, T replaced by C.
Protein change: p.Leu119Pro; replaces leucine 119 with proline.
Molecular consequence: missense variant.
Genome position (GRCh38, 1-based): chr10:100,750,837, T>C. VCF-style: chr10-100750837-T-C. GRCh37 (hg19) VCF-style: chr10-102510594-T-C.
Other names: c.449T>C, p.Leu150Pro (NM_001304569.2); c.356T>C, p.Leu119Pro (NM_003987.5, NM_003988.5, NM_003989.5 and 1 more transcripts); short protein forms L119P, L150P.
Identifiers: ClinVar variation 998916 (VCV000998916.6), dbSNP rs1589813707, ClinGen allele CA378258102.